The following is an entry in ClinVar:

ClinVar aggregate classification (germline): Pathogenic (1 of 4 stars; one submission).

Conditions:
Charlevoix-Saguenay spastic ataxia (SACS). Also called: SPASTIC ATAXIA 6, AUTOSOMAL RECESSIVE; AUTOSOMAL RECESSIVE SPASTIC ATAXIA OF CHARLEVOIX-SAGUENAY; Spastic ataxia of Charlevoix-Saguenay. Identifiers: Orphanet 98, MedGen C1849140, MONDO:0010041, OMIM 270550.

Submission:

Myriad Genetics, Inc.
Classification: Pathogenic for Charlevoix-Saguenay spastic ataxia. Last evaluated: 2025-05-08. Review status: criteria provided, single submitter. Criteria: Myriad Autosomal Dominant, Autosomal Recessive and X-Linked Classification Criteria (2023). Collection method: clinical testing. Allele origin: unknown.
Comment: NM_014363.4(SACS):c.12982delA(I4328Lfs*7) is a frameshift variant classified as pathogenic in the context of autosomal recessive spastic ataxia of Charlevoix-Saguenay. I4328Lfs*7 has been observed in a case with relevant disease (PMID: 22816526). Relevant functional assessments of this variant are not available in the literature. I4328Lfs*7 has not been observed in referenced population frequency databases. In summary, NM_014363.4(SACS):c.12982delA(I4328Lfs*7) is a frameshift variant in a gene where loss of function is a known mechanism of disease, is predicted to disrupt protein function, and has been observed more frequently in cases with the relevant disease than in healthy populations. Please note: this variant was assessed in the context of healthy population screening.

Literature cited by the submitters: PubMed 22816526.

NM_014363.6(SACS):c.12982del (p.Ile4328fs)

Gene: SACS (sacsin molecular chaperone; minus strand). Cytogenetic location: 13q12.12.
Variant type: Deletion.
Coding change: c.12982del on transcript NM_014363.6 (MANE Select); coding-DNA position 12982, one base deleted (A; older notation c.12982delA).
Protein change: p.Ile4328fs; shifts the reading frame from isoleucine 4328.
Molecular consequence: frameshift variant.
Genome position (GRCh38, 1-based): chr13:23,330,894, T deleted on the plus strand (A on the coding strand, the reverse complement: SACS is on the minus strand). VCF-style (leftmost placement, unchanged base first): chr13-23330893-AT-A. GRCh37 (hg19) VCF-style: chr13-23905032-AT-A.
Other names: c.12541del, p.Ile4181fs (NM_001278055.2); c.13009del, p.Ile4337fs (NM_001437336.1); short protein forms I4181fs, I4328fs, I4337fs.
Identifiers: ClinVar variation 4081781 (VCV004081781.1).